The following is an entry in ClinVar:

NM_000441.2(SLC26A4):c.71G>T (p.Arg24Leu)

Genes: SLC26A4 (solute carrier family 26 member 4; plus strand), SLC26A4-AS1 (SLC26A4 antisense RNA 1; minus strand). Cytogenetic location: 7q22.3.
Variant type: single nucleotide variant.
Coding change: c.71G>T on transcript NM_000441.2 (MANE Select); coding-DNA position 71, G replaced by T.
Protein change: p.Arg24Leu; replaces arginine 24 with leucine.
Molecular consequence: missense variant. On other transcripts: non-coding transcript variant (1).
Genome position (GRCh38, 1-based): chr7:107,661,712, G>T. VCF-style: chr7-107661712-G-T. GRCh37 (hg19) VCF-style: chr7-107302157-G-T.
Other names: short protein forms R24L.
Identifiers: ClinVar variation 996636 (VCV000996636.3), dbSNP rs1349370504, ClinGen allele CA368844952.

ClinVar aggregate classification (germline): Likely pathogenic. Review status: criteria provided, single submitter (1 of 4 stars). 2 submissions from 2 submitters: Likely pathogenic (1). 1 of the submissions does not count toward it. Last evaluated 2024-05-05.

Conditions:
Hearing loss, autosomal recessive. Also called: Autosomal recessive nonsyndromic deafness; Deafness, autosomal recessive; Rare autosomal recessive non-syndromic sensorineural deafness type DFNB; Nonsyndromic Hearing Loss, Recessive. Identifiers: Orphanet 90635, Orphanet 90636, MedGen C1846647, MONDO:0019588, OMIM 607197.

gnomAD v4.1: 3 of 1,567,400 alleles (0.00019%); highest among the groups gnomAD compares: South Asian, 0.0012%; no homozygotes.

Submissions (2):

Labcorp Genetics (formerly Invitae), Labcorp
Classification: Likely pathogenic. Last evaluated: 2024-05-05. Review status: criteria provided, single submitter. Criteria: Invitae Variant Classification Sherloc (09022015). Collection method: clinical testing. Allele origin: germline.
Comment: This sequence change replaces arginine, which is basic and polar, with leucine, which is neutral and non-polar, at codon 24 of the SLC26A4 protein (p.Arg24Leu). This variant is not present in population databases (gnomAD no frequency). This missense change has been observed in individual(s) with clinical features of SLC26A4-related conditions (PMID: 19287372, 30303587; Invitae). ClinVar contains an entry for this variant (Variation ID: 996636). Advanced modeling of protein sequence and biophysical properties (such as structural, functional, and spatial information, amino acid conservation, physicochemical variation, residue mobility, and thermodynamic stability) performed at Invitae indicates that this missense variant is expected to disrupt SLC26A4 protein function with a positive predictive value of 95%. This variant disrupts the p.Arg24 amino acid residue in SLC26A4. Other variant(s) that disrupt this residue have been observed in individuals with SLC26A4-related conditions (PMID: 25372295), which suggests that this may be a clinically significant amino acid residue. In summary, the currently available evidence indicates that the variant is pathogenic, but additional data are needed to prove that conclusively. Therefore, this variant has been classified as Likely Pathogenic.

University of Washington Center for Mendelian Genomics, University of Washington
Classification: Likely pathogenic for non-syndromic autosomal recessive hearing loss. Review status: no assertion criteria provided. Collection method: research. Allele origin: inherited. Affected: yes. Not counted in ClinVar's aggregate classification.

Literature cited by the submitters: PubMed 19287372 (cited by Labcorp Genetics (formerly Invitae), Labcorp); PubMed 30303587 (cited by Labcorp Genetics (formerly Invitae), Labcorp and University of Washington Center for Mendelian Genomics, University of Washington); PubMed 25372295 (cited by Labcorp Genetics (formerly Invitae), Labcorp).